The following is an entry in ClinVar:

NM_030922.7(NIPA2):c.-3G>A

Gene: NIPA2 (NIPA magnesium transporter 2; plus strand). Cytogenetic location: 15q11.2.
Variant type: single nucleotide variant.
Coding change: c.-3G>A on transcript NM_030922.7 (MANE Select); 3 bases upstream of the start codon, G replaced by A.
Molecular consequence: 5 prime UTR variant.
Genome position (GRCh38, 1-based): chr15:22,851,729, G>A. VCF-style: chr15-22851729-G-A. GRCh37 (hg19) VCF-style: chr15-23021339-C-T.
Other names: c.-3G>A (NM_001008860.3, NM_001008892.3, NM_001008894.3 and 2 more transcripts).
Identifiers: ClinVar variation 3050016 (VCV003050016.2), dbSNP rs12594490, ClinGen allele CA7425947.
Genomic context (GRCh38, chr15:22,851,729, plus strand): 5'-ACCAGCGGTTTCTCTGTTCTGTGATCAATGTGATTCACAGGAACTCCTTAAGTAACAAAC[G>A]AAATGAGCCAGGGGCGTGGAAAATATGACTTCTATATTGGTCTGGGATTGGCTATGAGCT-3'

ClinVar aggregate classification (germline): Benign (0 of 4 stars; one submission).

Conditions:
NIPA2-related disorder. Also called: NIPA2-related condition.

Allele frequency attached by ClinVar (database versions not stated): gnomAD exomes 0.00024; gnomAD 0.00030; TOPMed 0.00071; ExAC 0.00079; 1000 Genomes Project 30x 0.00141; 1000 Genomes Project 0.00180.

Submission:

PreventionGenetics, part of Exact Sciences
Classification: Benign for NIPA2-related condition. Last evaluated: 2019-07-12. Review status: no assertion criteria provided. Collection method: clinical testing. Allele origin: germline.
Comment: This variant is classified as benign based on ACMG/AMP sequence variant interpretation guidelines (Richards et al. 2015 PMID: 25741868, with internal and published modifications).